The following is an entry in ClinVar:

NM_205850.3(SLC24A5):c.872-3C>T

Genes: MYEF2 (myelin expression factor 2; minus strand), SLC24A5 (solute carrier family 24 member 5; plus strand). Cytogenetic location: 15q21.1.
Variant type: single nucleotide variant.
Coding change: c.872-3C>T on transcript NM_205850.3 (MANE Select); 3 bases into the intron before coding-DNA position 872, C replaced by T.
Molecular consequence: intron variant. On other transcripts: 3 prime UTR variant (2).
Genome position (GRCh38, 1-based): chr15:48,138,966, C>T. VCF-style: chr15-48138966-C-T. GRCh37 (hg19) VCF-style: chr15-48431163-C-T.
Other names: c.*3942G>A (NM_001301210.2, NM_016132.5).
Identifiers: ClinVar variation 1442144 (VCV001442144.4), dbSNP rs376105165, ClinGen allele CA7545999.

ClinVar aggregate classification (germline): Uncertain significance (1 of 4 stars; one submission).

Allele frequency attached by ClinVar (database versions not stated): ExAC 0.00008; gnomAD exomes 0.00008; 1000 Genomes Project 30x 0.00016; 1000 Genomes Project 0.00020; ESP Exome Variant Server 0.00023; gnomAD 0.00024; TOPMed 0.00024.
gnomAD v4.1: 65 of 1,608,110 alleles (0.004%); highest among the groups gnomAD compares: African/African-American, 0.079%; 1 homozygote.

Submission:

Labcorp Genetics (formerly Invitae), Labcorp
Classification: Uncertain significance. Last evaluated: 2024-01-17. Review status: criteria provided, single submitter. Criteria: Invitae Variant Classification Sherloc (09022015). Collection method: clinical testing. Allele origin: germline.
Comment: This sequence change falls in intron 6 of the SLC24A5 gene. It does not directly change the encoded amino acid sequence of the SLC24A5 protein. It affects a nucleotide within the consensus splice site. This variant is present in population databases (rs376105165, gnomAD 0.1%). This variant has not been reported in the literature in individuals affected with SLC24A5-related conditions. ClinVar contains an entry for this variant (Variation ID: 1442144). Variants that disrupt the consensus splice site are a relatively common cause of aberrant splicing (PMID: 17576681, 9536098). Algorithms developed to predict the effect of sequence changes on RNA splicing suggest that this variant may disrupt the consensus splice site. In summary, the available evidence is currently insufficient to determine the role of this variant in disease. Therefore, it has been classified as a Variant of Uncertain Significance.

Literature cited by the submitters: PubMed 17576681; PubMed 9536098.